The following is an entry in ClinVar:

NM_005902.4(SMAD3):c.65_71dup (p.Asn24fs)

Gene: SMAD3 (SMAD family member 3; plus strand). Cytogenetic location: 15q22.33.
Variant type: Duplication.
Coding change: c.65_71dup on transcript NM_005902.4 (MANE Select); coding-DNA positions 65 to 71, 7 bases duplicated (AGCAGAA; older notation c.65_71dupAGCAGAA).
Protein change: p.Asn24fs; shifts the reading frame from asparagine 24.
Molecular consequence: frameshift variant.
Genome position (GRCh38, 1-based): chr15:67,066,219-67,066,225, AGCAGAA duplicated. VCF-style (leftmost placement, unchanged base first): chr15-67066218-G-GAGCAGAA. GRCh37 (hg19) VCF-style: chr15-67358556-G-GAGCAGAA.
Other names: short protein forms N24fs.
Identifiers: ClinVar variation 1454233 (VCV001454233.6), dbSNP rs2140188825, ClinGen allele CA2573151100.

ClinVar aggregate classification (germline): Pathogenic (1 of 4 stars; one submission).

Conditions:
Familial thoracic aortic aneurysm and aortic dissection (TAAD). Also called: Thoracic aortic aneurysms and dissections. Identifiers: Orphanet 91387, MedGen C4707243, MONDO:0019625.

Submission:

Labcorp Genetics (formerly Invitae), Labcorp
Classification: Pathogenic for Familial thoracic aortic aneurysm and aortic dissection. Last evaluated: 2022-07-11. Review status: criteria provided, single submitter. Criteria: Invitae Variant Classification Sherloc (09022015). Collection method: clinical testing. Allele origin: germline.
Comment: For these reasons, this variant has been classified as Pathogenic. ClinVar contains an entry for this variant (Variation ID: 1454233). This variant has not been reported in the literature in individuals affected with SMAD3-related conditions. This variant is not present in population databases (gnomAD no frequency). This sequence change creates a premature translational stop signal (p.Asn24Lysfs*89) in the SMAD3 gene. It is expected to result in an absent or disrupted protein product. Loss-of-function variants in SMAD3 are known to be pathogenic (PMID: 21778426, 24804794).

Literature cited by the submitters: PubMed 21778426; PubMed 24804794.